The following is an entry in ClinVar:

NM_001371986.1(UNC80):c.1978G>C (p.Val660Leu)

Gene: UNC80 (unc-80 subunit of NALCN channel complex; plus strand). Cytogenetic location: 2q34.
Variant type: single nucleotide variant.
Coding change: c.1978G>C on transcript NM_001371986.1 (MANE Select); coding-DNA position 1978, G replaced by C.
Protein change: p.Val660Leu; replaces valine 660 with leucine.
Molecular consequence: missense variant.
Genome position (GRCh38, 1-based): chr2:209,820,326, G>C. VCF-style: chr2-209820326-G-C. GRCh37 (hg19) VCF-style: chr2-210685050-G-C.
Other names: c.1978G>C, p.Val660Leu (NM_032504.2, NM_182587.4); short protein forms V660L.
Identifiers: ClinVar variation 1970361 (VCV001970361.5), dbSNP rs2080044390, ClinGen allele CA350136174.
Genomic context (GRCh38, chr2:209,820,326, plus strand): 5'-AGTGCAGGTAACTTAATCATGCTGTGTTTATCTTGTTTTCCTCAGGTAGTTCTGAAGGCT[G>C]TTTATCTTGTCCTTAATCATGACATCAGCTCTCGTATCTGTGACGTGGCGCTAAACATTG-3'
Protein context (NP_001358915.1, residues 650-670): MLDLSVVLKA[Val660Leu]YLVLNHDISS

ClinVar aggregate classification (germline): Uncertain significance (1 of 4 stars; one submission).

Allele frequency attached by ClinVar (database versions not stated): gnomAD exomes below 0.00001.
gnomAD v4.1: 1 of 1,544,520 alleles (0.000065%); highest among the groups gnomAD compares: African/African-American, 0.0014%; no homozygotes.

Submission:

Labcorp Genetics (formerly Invitae), Labcorp
Classification: Uncertain significance. Last evaluated: 2024-02-22. Review status: criteria provided, single submitter. Criteria: Invitae Variant Classification Sherloc (09022015). Collection method: clinical testing. Allele origin: germline.
Comment: This sequence change replaces valine, which is neutral and non-polar, with leucine, which is neutral and non-polar, at codon 660 of the UNC80 protein (p.Val660Leu). This variant is not present in population databases (gnomAD no frequency). This variant has not been reported in the literature in individuals affected with UNC80-related conditions. ClinVar contains an entry for this variant (Variation ID: 1970361). An algorithm developed to predict the effect of missense changes on protein structure and function (PolyPhen-2) suggests that this variant is likely to be disruptive. In summary, the available evidence is currently insufficient to determine the role of this variant in disease. Therefore, it has been classified as a Variant of Uncertain Significance.